The following is an entry in ClinVar:

NM_001267550.2(TTN):c.94524T>G (p.Asp31508Glu)

Genes: TTN (titin; minus strand), TTN-AS1 (TTN antisense RNA 1; plus strand). Cytogenetic location: 2q31.2.
Variant type: single nucleotide variant.
Coding change: c.94524T>G on transcript NM_001267550.2 (MANE Select); coding-DNA position 94524, T replaced by G.
Protein change: p.Asp31508Glu; replaces aspartic acid 31508 with glutamic acid.
Molecular consequence: missense variant.
Genome position (GRCh38, 1-based): chr2:178,546,904, A>C on the plus strand (T>G on the coding strand, the complement: TTN is on the minus strand). VCF-style: chr2-178546904-A-C. GRCh37 (hg19) VCF-style: chr2-179411631-A-C.
Other names: c.89601T>G, p.Asp29867Glu (NM_001256850.1); c.67329T>G, p.Asp22443Glu (NM_003319.4); c.86820T>G, p.Asp28940Glu (NM_133378.4); c.67704T>G, p.Asp22568Glu (NM_133432.3); c.67905T>G, p.Asp22635Glu (NM_133437.4); short protein forms D22443E, D22568E, D22635E, D28940E, D29867E, D31508E.
Identifiers: ClinVar variation 3352181 (VCV003352181.3), dbSNP rs727505200.

ClinVar aggregate classification (germline): Conflicting classifications of pathogenicity. Review status: criteria provided, conflicting classifications (1 of 4 stars). 3 submissions from 3 submitters: Uncertain significance (1); Likely benign (1). 1 of the submissions does not count toward it. Last evaluated 2025-05-09.

Conditions:
TTN-related disorder. Also called: TTN-related condition; TTN-related disease; TTN-related disorders.

gnomAD v4.1: 27 of 1,579,276 alleles (0.0017%); highest among the groups gnomAD compares: Non-Finnish European, 0.0023%; no homozygotes.

Submissions (3):

Revvity Omics, Revvity
Classification: Uncertain significance. Last evaluated: 2025-05-09. Review status: criteria provided, single submitter. Criteria: ACMG Guidelines, 2015. Collection method: clinical testing. Allele origin: germline.

Molecular Diagnostic Laboratory for Inherited Cardiovascular Disease, Montreal Heart Institute
Classification: Likely benign. Last evaluated: 2025-04-09. Review status: criteria provided, single submitter. Criteria: ACMG Guidelines, 2015. Collection method: clinical testing. Allele origin: germline. Affected: no.
Comment: BP1

PreventionGenetics, part of Exact Sciences
Classification: Uncertain significance for TTN-related condition. Last evaluated: 2024-09-24. Review status: no assertion criteria provided. Collection method: clinical testing. Allele origin: germline. Not counted in ClinVar's aggregate classification.
Comment: The TTN c.94524T>G variant is predicted to result in the amino acid substitution p.Asp31508Glu. To our knowledge, this variant has not been reported in the literature. This variant is reported in 0.0025% of alleles in individuals of European (non-Finnish) descent in gnomAD. At this time, the clinical significance of this variant is uncertain due to the absence of conclusive functional and genetic evidence.